The following is an entry in ClinVar:

ClinVar aggregate classification (germline): Uncertain significance (1 of 4 stars; one submission).

Conditions:
Absence seizure. Also called: Absence epilepsy. Identifiers: Orphanet 1941, MedGen C0014553.
Myoclonic epilepsy, juvenile, susceptibility to, 1. Also called: Myoclonic Epilepsy, Juvenile, 1; EJM1. Identifiers: MedGen C1850778, MONDO:0020752, OMIM 254770.

gnomAD v4.1: 1 of 1,613,790 alleles (0.000062%); no homozygotes.

Submission:

Labcorp Genetics (formerly Invitae), Labcorp
Classification: Uncertain significance for Myoclonic epilepsy, juvenile, susceptibility to, 1; Absence seizure. Last evaluated: 2019-03-06. Review status: criteria provided, single submitter. Criteria: Invitae Variant Classification Sherloc (09022015). Collection method: clinical testing. Allele origin: germline.
Comment: In summary, the available evidence is currently insufficient to determine the role of this variant in disease. Therefore, it has been classified as a Variant of Uncertain Significance. Algorithms developed to predict the effect of missense changes on protein structure and function are either unavailable or do not agree on the potential impact of this missense change (SIFT: "Tolerated"; PolyPhen-2: "Probably Damaging"; Align-GVGD: "Class C0"). This variant has not been reported in the literature in individuals with EFHC1-related conditions. This variant is not present in population databases (ExAC no frequency). This sequence change replaces alanine with threonine at codon 424 of the EFHC1 protein (p.Ala424Thr). The alanine residue is moderately conserved and there is a small physicochemical difference between alanine and threonine.

NM_018100.4(EFHC1):c.1270G>A (p.Ala424Thr)

Gene: EFHC1 (EF-hand domain containing 1; plus strand). Cytogenetic location: 6p12.2.
Variant type: single nucleotide variant.
Coding change: c.1270G>A on transcript NM_018100.4 (MANE Select); coding-DNA position 1270, G replaced by A.
Protein change: p.Ala424Thr; replaces alanine 424 with threonine.
Molecular consequence: missense variant. On other transcripts: non-coding transcript variant (1).
Genome position (GRCh38, 1-based): chr6:52,469,465, G>A. VCF-style: chr6-52469465-G-A. GRCh37 (hg19) VCF-style: chr6-52334263-G-A.
Other names: c.1213G>A, p.Ala405Thr (NM_001172420.2); short protein forms A405T, A424T.
Identifiers: ClinVar variation 855080 (VCV000855080.11), dbSNP rs796052418, ClinGen allele CA364456185.